The following is an entry in ClinVar:

GRCh37/hg19 16p13.2(chr16:8852764-9388125)x3

Genes: CARHSP1 (calcium regulated heat stable protein 1; minus strand), HAPSTR1 (HUWE1 associated protein modifying stress responses; plus strand), ABAT (4-aminobutyrate aminotransferase; plus strand), PMM2 (phosphomannomutase 2; plus strand), TMEM186 (transmembrane protein 186; minus strand) and 1 more. Cytogenetic location: 16p13.2.
Variant type: copy number gain.
Change: copy number 3 (three copies instead of two) of chr16:8,852,764-9,388,125 (535.4 kb, GRCh37 coordinates, 1-based), cytogenetic band 16p13.2.
Identifiers: ClinVar variation 1321999 (VCV001321999.1).

ClinVar aggregate classification (germline): Uncertain significance (1 of 4 stars; one submission).

Submission:

HudsonAlpha Institute for Biotechnology
Classification: Uncertain significance. Last evaluated: 2021-09-21. Review status: criteria provided, single submitter. Criteria: ACMG/ClinGen CNV Guidelines, 2019. Collection method: research. Allele origin: unknown. Observed: 1 variant allele. Study: CSER-SouthSeq.
Comment: ACMG codes:2K(0.30)